The following is an entry in ClinVar:

ClinVar aggregate classification (germline): Uncertain significance (1 of 4 stars; one submission).

gnomAD v4.1: 3 of 1,613,846 alleles (0.00019%); highest among the groups gnomAD compares: East Asian, 0.0022%; no homozygotes.

Submission:

Labcorp Genetics (formerly Invitae), Labcorp
Classification: Uncertain significance. Last evaluated: 2024-07-31. Review status: criteria provided, single submitter. Criteria: Invitae Variant Classification Sherloc (09022015). Collection method: clinical testing. Allele origin: germline.
Comment: This sequence change creates a premature translational stop signal (p.Arg1203*) in the MTOR gene. It is expected to result in an absent or disrupted protein product. However, the current clinical and genetic evidence is not sufficient to establish whether loss-of-function variants in MTOR cause disease. This variant is not present in population databases (gnomAD no frequency). This variant has not been reported in the literature in individuals affected with MTOR-related conditions. In summary, the available evidence is currently insufficient to determine the role of this variant in disease. Therefore, it has been classified as a Variant of Uncertain Significance.

NM_004958.4(MTOR):c.3607C>T (p.Arg1203Ter)

Gene: MTOR (mechanistic target of rapamycin kinase; minus strand). Cytogenetic location: 1p36.22.
Variant type: single nucleotide variant.
Coding change: c.3607C>T on transcript NM_004958.4 (MANE Select); coding-DNA position 3607, C replaced by T.
Protein change: p.Arg1203Ter; replaces arginine 1203 with a stop codon.
Molecular consequence: nonsense.
Genome position (GRCh38, 1-based): chr1:11,210,861, G>A on the plus strand (C>T on the coding strand, the complement: MTOR is on the minus strand). VCF-style: chr1-11210861-G-A. GRCh37 (hg19) VCF-style: chr1-11270918-G-A.
Other names: c.3607C>T, p.Arg1203Ter (NM_001386500.1); c.2359C>T, p.Arg787Ter (NM_001386501.1); short protein forms R787*, R1203*.
Identifiers: ClinVar variation 3661066 (VCV003661066.2).